The following is an entry in ClinVar:

NM_002427.4(MMP13):c.998G>A (p.Arg333His)

Gene: MMP13 (matrix metallopeptidase 13; minus strand). Cytogenetic location: 11q22.2.
Variant type: single nucleotide variant.
Coding change: c.998G>A on transcript NM_002427.4 (MANE Select); coding-DNA position 998, G replaced by A.
Protein change: p.Arg333His; replaces arginine 333 with histidine.
Molecular consequence: missense variant.
Genome position (GRCh38, 1-based): chr11:102,949,078, C>T on the plus strand (G>A on the coding strand, the complement: MMP13 is on the minus strand). VCF-style: chr11-102949078-C-T. GRCh37 (hg19) VCF-style: chr11-102819807-C-T.
Other names: c.998G>A (NM_002427.3); short protein forms R333H.
Identifiers: ClinVar variation 1425152 (VCV001425152.9), dbSNP rs782035543, ClinGen allele CA6251820.

ClinVar aggregate classification (germline): Uncertain significance. Review status: criteria provided, multiple submitters, no conflicts (2 of 4 stars). 2 submissions from 2 submitters: Uncertain significance (2). Last evaluated 2025-08-12.

Allele frequency attached by ClinVar (database versions not stated): gnomAD 0.00009; TOPMed 0.00010; ExAC 0.00003.
gnomAD v4.1: 211 of 1,613,712 alleles (0.013%); highest among the groups gnomAD compares: Middle Eastern, 0.016%; no homozygotes.

Submissions (2):

Labcorp Genetics (formerly Invitae), Labcorp
Classification: Uncertain significance. Last evaluated: 2025-08-12. Review status: criteria provided, single submitter. Criteria: Invitae Variant Classification Sherloc (09022015). Collection method: clinical testing. Allele origin: germline.
Comment: This sequence change replaces arginine, which is basic and polar, with histidine, which is basic and polar, at codon 333 of the MMP13 protein (p.Arg333His). This variant is present in population databases (rs782035543, gnomAD 0.04%). This variant has not been reported in the literature in individuals affected with MMP13-related conditions. ClinVar contains an entry for this variant (Variation ID: 1425152). Invitae Evidence Modeling of protein sequence and biophysical properties (such as structural, functional, and spatial information, amino acid conservation, physicochemical variation, residue mobility, and thermodynamic stability) indicates that this missense variant is not expected to disrupt MMP13 protein function with a negative predictive value of 80%. In summary, the available evidence is currently insufficient to determine the role of this variant in disease. Therefore, it has been classified as a Variant of Uncertain Significance.

GeneDx
Classification: Uncertain significance. Last evaluated: 2025-01-25. Review status: criteria provided, single submitter. Criteria: GeneDx Variant Classification Process June 2021. Collection method: clinical testing. Allele origin: germline.
Comment: In silico analysis indicates that this missense variant does not alter protein structure/function; Has not been previously published as pathogenic or benign to our knowledge